The following is an entry in ClinVar:

NM_198586.3(NHLRC1):c.452T>A (p.Val151Asp)

Gene: NHLRC1 (NHL repeat containing E3 ubiquitin protein ligase 1; minus strand). Cytogenetic location: 6p22.3.
Variant type: single nucleotide variant.
Coding change: c.452T>A on transcript NM_198586.3 (MANE Select); coding-DNA position 452, T replaced by A.
Protein change: p.Val151Asp; replaces valine 151 with aspartic acid.
Molecular consequence: missense variant.
Genome position (GRCh38, 1-based): chr6:18,122,155, A>T on the plus strand (T>A on the coding strand, the complement: NHLRC1 is on the minus strand). VCF-style: chr6-18122155-A-T. GRCh37 (hg19) VCF-style: chr6-18122386-A-T.
Other names: short protein forms V151D.
Identifiers: ClinVar variation 2095021 (VCV002095021.4), dbSNP rs2533897108, ClinGen allele CA362827988.

ClinVar aggregate classification (germline): Uncertain significance (1 of 4 stars; one submission).

Conditions:
Lafora disease. Also called: Epilepsy progressive myoclonic 2; Progressive Myoclonus Epilepsy, Lafora Type. Identifiers: Orphanet 501, MedGen C0751783, MONDO:0009697.

Submission:

Labcorp Genetics (formerly Invitae), Labcorp
Classification: Uncertain significance for Lafora disease. Last evaluated: 2022-02-08. Review status: criteria provided, single submitter. Criteria: Invitae Variant Classification Sherloc (09022015). Collection method: clinical testing. Allele origin: germline.
Comment: In summary, the available evidence is currently insufficient to determine the role of this variant in disease. Therefore, it has been classified as a Variant of Uncertain Significance. Algorithms developed to predict the effect of missense changes on protein structure and function (SIFT, PolyPhen-2, Align-GVGD) all suggest that this variant is likely to be disruptive. This variant has not been reported in the literature in individuals affected with NHLRC1-related conditions. This variant is not present in population databases (gnomAD no frequency). This sequence change replaces valine, which is neutral and non-polar, with aspartic acid, which is acidic and polar, at codon 151 of the NHLRC1 protein (p.Val151Asp).